The following is an entry in ClinVar:

ClinVar aggregate classification (germline): Pathogenic. Review status: reviewed by expert panel (3 of 4 stars). 4 submissions from 4 submitters: Pathogenic (1). 3 of the submissions do not count toward it. Last evaluated 2022-04-06.

Conditions:
Very long chain acyl-CoA dehydrogenase deficiency (ACADVLD). Also called: Very Long-Chain Acyl-Coenzyme A Dehydrogenase Deficiency; VLCAD Deficiency. Identifiers: Orphanet 26793, MedGen C3887523, MONDO:0008723, OMIM 201475.

Submissions (4):

ClinGen ACADVL Variant Curation Expert Panel, ClinGen
Classification: Pathogenic for Very long chain acyl-CoA dehydrogenase deficiency. Last evaluated: 2022-04-06. Review status: reviewed by expert panel. Criteria: clingen acadvl acmg specifications v1. Collection method: curation. Allele origin: germline. Inheritance: Autosomal recessive inheritance.
Comment: The c.104del (p.(Pro35Leufs*26)) (NM_000018.4) variant in ACADVL is a frameshift variant predicted to cause a premature stop codon in biologically-relevant-exon 2/20 leading to nonsense mediated decay in a gene in which loss-of-function is an established disease mechanism (PVS1; PMIDs: 9973285, 11590124). This variant has been detected in at least 4 individuals with VLCADD. Of those individuals, 1 was compound heterozygous for the variant and a pathogenic or likely pathogenic variant and was not confirmed in trans (PM3 0.5 pt, PMID: 25834949). 3 individuals were homozygous for the variant (PM3 1.0 point max., PMIDs: 25834949, 32276429) (PM3). The highest population minor allele frequency in gnomAD v2.1.1 is 0.007886%(2/25360 alleles) in AMR population, which is lower than the ClinGen ACADVL VCEP threshold (<0.1%) for PM2_Supporting, meeting this criterion (PM2_Supporting). To our knowledge, functional assays have not been reported for this variant. To our knowledge, this variant has not been reported in the literature for segregation in family members affected with VLCADD. In summary, this variant has been classified as pathogenic for autosomal recessive very long chain acyl-CoA dehydrogenase deficiency based on the ACMG/AMP criteria applied, as specified by the ClinGen ACADVL Curation Expert Panel: PVS1, PM3, PP4_Moderate, PM2_Supporting (ACADVL VCEP specifications v2.0; Approved on 10/11/2021).

Labcorp Genetics (formerly Invitae), Labcorp
Classification: Pathogenic for Very long chain acyl-CoA dehydrogenase deficiency. Last evaluated: 2023-12-19. Review status: criteria provided, single submitter. Criteria: Invitae Variant Classification Sherloc (09022015). Collection method: clinical testing. Allele origin: germline. Not counted in ClinVar's aggregate classification.
Comment: This sequence change creates a premature translational stop signal (p.Pro35Leufs*26) in the ACADVL gene. It is expected to result in an absent or disrupted protein product. Loss-of-function variants in ACADVL are known to be pathogenic (PMID: 9973285, 11590124). This variant is present in population databases (no rsID available, gnomAD 0.008%). This premature translational stop signal has been observed in individuals with very long chain acyl-CoA dehydrogenase deficiency (PMID: 9973285, 25834949). ClinVar contains an entry for this variant (Variation ID: 541718). For these reasons, this variant has been classified as Pathogenic.

Women's Health and Genetics/Laboratory Corporation of America, LabCorp
Classification: Pathogenic for Very long chain acyl-CoA dehydrogenase deficiency. Last evaluated: 2021-05-06. Review status: criteria provided, single submitter. Criteria: LabCorp Variant Classification Summary - May 2015. Collection method: clinical testing. Allele origin: germline. Not counted in ClinVar's aggregate classification.
Comment: Variant summary: ACADVL c.104delC (p.Pro35LeufsX26) results in a premature termination codon, predicted to cause a truncation of the encoded protein or absence of the protein due to nonsense mediated decay, which are commonly known mechanisms for disease. Truncations downstream of this position have been classified as pathogenic by our laboratory. The variant allele was found at a frequency of 2.2e-05 in 137290 control chromosomes. c.104delC has been reported in the literature in multiple individuals affected with Very Long Chain Acyl-CoA Dehydrogenase Deficiency (Andresen_1999, Knottnerus_2020). These data indicate that the variant is very likely to be associated with disease. At least one publication reports that enzyme activity in the patient carrying homozygous c.104delC had <10% of normal activity (Knottnerus_2020). Two clinical diagnostic laboratories have submitted clinical-significance assessments for this variant to ClinVar after 2014 without evidence for independent evaluation. Both laboratories classified the variant as pathogenic. Based on the evidence outlined above, the variant was classified as pathogenic.

Wong Mito Lab, Molecular and Human Genetics, Baylor College of Medicine
Classification: Pathogenic for Very long chain acyl-CoA dehydrogenase deficiency. Last evaluated: 2019-11-01. Review status: criteria provided, single submitter. Criteria: ACMG Guidelines, 2015. Collection method: clinical testing. Allele origin: germline. Not counted in ClinVar's aggregate classification.
Comment: The NM_000018.3:c.104delC (NP_000009.1:p.Pro35LeufsTer26) [GRCH38: NC_000017.11:g.7220163delC] variant in ACADVL gene is interpretated to be Pathogenic based on ACMG guidelines (PMID: 25741868). This variant has been reported in PMID: 25834949 . This variant meets the following evidence codes reported in the ACMG guidelines: PVS1, PS3

Literature cited by the submitters: PubMed 9973285 (cited by Labcorp Genetics (formerly Invitae), Labcorp and Women's Health and Genetics/Laboratory Corporation of America, LabCorp); PubMed 11590124 (cited by Labcorp Genetics (formerly Invitae), Labcorp); PubMed 25834949 (cited by Labcorp Genetics (formerly Invitae), Labcorp and Wong Mito Lab, Molecular and Human Genetics, Baylor College of Medicine); PubMed 32276429 (cited by Women's Health and Genetics/Laboratory Corporation of America, LabCorp).

NM_000018.4(ACADVL):c.104del (p.Pro35fs)

Genes: ACADVL (acyl-CoA dehydrogenase very long chain; plus strand), LOC130060113 (ATAC-STARR-seq lymphoblastoid silent region 8088; plus strand). Cytogenetic location: 17p13.1.
Variant type: Deletion.
Coding change: c.104del on transcript NM_000018.4 (MANE Select); coding-DNA position 104, one base deleted (C; older notation c.104delC).
Protein change: p.Pro35fs; shifts the reading frame from proline 35.
Molecular consequence: frameshift variant. On other transcripts: 5 prime UTR variant (1).
Genome position (GRCh38, 1-based): chr17:7,220,163, C deleted; the last of 3 consecutive C bases (chr17:7,220,161-7,220,163); deleting any one gives the same sequence. VCF-style (leftmost placement, unchanged base first): chr17-7220160-GC-G. GRCh37 (hg19) VCF-style: chr17-7123479-GC-G.
Other names: NM_000018.4(ACADVL):c.104del; p.Pro35fs; c.104del, p.Pro35fs (NM_001033859.3); c.173del, p.Pro58fs (NM_001270447.2); c.-125del (NM_001270448.2); short protein forms P35fs, P58fs.
Identifiers: ClinVar variation 541718 (VCV000541718.13), dbSNP rs1443151475, ClinGen allele CA624861220.
Genomic context (GRCh38, chr17:7,220,160, plus strand): 5'-ACTGAACCCCCACTCCCCACAGCTCGCGGCTCACGGCGCTCCTGGGGCAGCCCCGGCCCG[GC>G]CCTGCCCGGCGGCCCTATGCCGGGGGTGCCGCTCAGGTAAGTCACCGCAGCCTTGGCAAG-3'